The following is an entry in ClinVar:

NM_031935.3(HMCN1):c.12649A>G (p.Thr4217Ala)

Gene: HMCN1 (hemicentin 1; plus strand). Cytogenetic location: 1q31.1.
Variant type: single nucleotide variant.
Coding change: c.12649A>G on transcript NM_031935.3 (MANE Select); coding-DNA position 12649, A replaced by G.
Protein change: p.Thr4217Ala; replaces threonine 4217 with alanine.
Molecular consequence: missense variant.
Genome position (GRCh38, 1-based): chr1:186,125,753, A>G. VCF-style: chr1-186125753-A-G. GRCh37 (hg19) VCF-style: chr1-186094885-A-G.
Other names: short protein forms T4217A.
Identifiers: ClinVar variation 873982 (VCV000873982.12), dbSNP rs138440972, ClinGen allele CA1294412.

ClinVar aggregate classification (germline): Uncertain significance. Review status: criteria provided, multiple submitters, no conflicts (2 of 4 stars). 4 submissions from 4 submitters: Uncertain significance (4). Last evaluated 2025-11-29.

Conditions:
Age related macular degeneration 1 (ARMD1). Also called: MACULOPATHY, AGE-RELATED, 1. Identifiers: MedGen C1864205, MONDO:0011285, OMIM 603075.

Allele frequency attached by ClinVar (database versions not stated): gnomAD 0.00018; TOPMed 0.00022; ESP Exome Variant Server 0.00023.
gnomAD v4.1: 57 of 1,613,410 alleles (0.0035%); highest among the groups gnomAD compares: African/African-American, 0.065%; no homozygotes.

Submissions (4):

Labcorp Genetics (formerly Invitae), Labcorp
Classification: Uncertain significance. Last evaluated: 2025-11-29. Review status: criteria provided, single submitter. Criteria: Invitae Variant Classification Sherloc (09022015). Collection method: clinical testing. Allele origin: germline.
Comment: This sequence change replaces threonine, which is neutral and polar, with alanine, which is neutral and non-polar, at codon 4217 of the HMCN1 protein (p.Thr4217Ala). This variant is present in population databases (rs138440972, gnomAD 0.05%). This variant has not been reported in the literature in individuals affected with HMCN1-related conditions. ClinVar contains an entry for this variant (Variation ID: 873982). An algorithm developed to predict the effect of missense changes on protein structure and function (PolyPhen-2) suggests that this variant is likely to be tolerated. In summary, the available evidence is currently insufficient to determine the role of this variant in disease. Therefore, it has been classified as a Variant of Uncertain Significance.

Ambry Genetics
Classification: Uncertain significance. Last evaluated: 2024-12-11. Review status: criteria provided, single submitter. Criteria: Ambry Variant Classification Scheme 2023. Collection method: clinical testing. Allele origin: germline.

Genome-Nilou Lab
Classification: Uncertain significance for Age related macular degeneration 1. Last evaluated: 2023-04-11. Review status: criteria provided, single submitter. Criteria: ACMG Guidelines, 2015. Collection method: clinical testing. Allele origin: germline. Affected: no.

Illumina Laboratory Services, Illumina
Classification: Uncertain significance for Age related macular degeneration 1. Last evaluated: 2018-01-12. Review status: criteria provided, single submitter. Criteria: ICSL Variant Classification Criteria 13 December 2019. Collection method: clinical testing. Allele origin: germline.